The following is an entry in ClinVar:

NM_001374736.1(DST):c.3046A>G (p.Thr1016Ala)

Gene: DST (dystonin; minus strand). Cytogenetic location: 6p12.1.
Variant type: single nucleotide variant.
Coding change: c.3046A>G on transcript NM_001374736.1 (MANE Select); coding-DNA position 3046, A replaced by G.
Protein change: p.Thr1016Ala; replaces threonine 1016 with alanine.
Molecular consequence: missense variant.
Genome position (GRCh38, 1-based): chr6:56,636,571, T>C on the plus strand (A>G on the coding strand, the complement: DST is on the minus strand). VCF-style: chr6-56636571-T-C. GRCh37 (hg19) VCF-style: chr6-56501369-T-C.
Other names: c.2947A>G, p.Thr983Ala (NM_001144769.5); c.2533A>G, p.Thr845Ala (NM_001144770.2); c.3046A>G, p.Thr1016Ala (NM_001374722.1); c.2413A>G, p.Thr805Ala (NM_001374729.1, NM_001374730.1, NM_001386100.1 and 1 more transcripts); c.3073A>G, p.Thr1025Ala (NM_001374734.1); c.1435A>G, p.Thr479Ala (NM_001723.7, NM_015548.5); short protein forms T479A, T983A, T805A, T845A, T1016A, T1025A.
Identifiers: ClinVar variation 541434 (VCV000541434.9), dbSNP rs148341409, ClinGen allele CA3871254.

ClinVar aggregate classification (germline): Uncertain significance (1 of 4 stars; one submission).

Conditions:
Hereditary sensory and autonomic neuropathy type 6. Also called: HSAN VI; Neuropathy, hereditary sensory and autonomic, type VI. Identifiers: Orphanet 314381, MedGen C3539003, MONDO:0013839, OMIM 614653.
Epidermolysis bullosa simplex 3, localized or generalized intermediate, with BP230 deficiency (EBS3). Also called: Epidermolysis bullosa simplex, autosomal recessive 2; Epidermolysis bullosa simplex due to BP230 deficiency. Identifiers: Orphanet 412181, MedGen C3809470, MONDO:0014180, OMIM 615425.

Allele frequency attached by ClinVar (database versions not stated): gnomAD exomes below 0.00001 and 0.00001; ExAC 0.00001; gnomAD 0.00001 and 0.00002; TOPMed 0.00002; ESP Exome Variant Server 0.00008.
gnomAD v4.1: 5 of 1,613,032 alleles (0.00031%); highest among the groups gnomAD compares: Non-Finnish European, 0.00042%; no homozygotes.

Submission:

Labcorp Genetics (formerly Invitae), Labcorp
Classification: Uncertain significance for Epidermolysis bullosa simplex 3, localized or generalized intermediate, with BP230 deficiency; Hereditary sensory and autonomic neuropathy type 6. Last evaluated: 2022-11-01. Review status: criteria provided, single submitter. Criteria: Invitae Variant Classification Sherloc (09022015). Collection method: clinical testing. Allele origin: germline.
Comment: In summary, the available evidence is currently insufficient to determine the role of this variant in disease. Therefore, it has been classified as a Variant of Uncertain Significance. Algorithms developed to predict the effect of missense changes on protein structure and function (SIFT, PolyPhen-2, Align-GVGD) all suggest that this variant is likely to be tolerated. ClinVar contains an entry for this variant (Variation ID: 541434). This variant has not been reported in the literature in individuals affected with DST-related conditions. This variant is present in population databases (rs148341409, gnomAD 0.002%). This sequence change replaces threonine, which is neutral and polar, with alanine, which is neutral and non-polar, at codon 479 of the DST protein (p.Thr479Ala).